The following is an entry in ClinVar:

NM_000363.5(TNNI3):c.259G>A (p.Gly87Arg)

Gene: TNNI3 (troponin I3, cardiac type; minus strand). Cytogenetic location: 19q13.42.
Variant type: single nucleotide variant.
Coding change: c.259G>A on transcript NM_000363.5 (MANE Select); coding-DNA position 259, G replaced by A.
Protein change: p.Gly87Arg; replaces glycine 87 with arginine.
Molecular consequence: missense variant.
Genome position (GRCh38, 1-based): chr19:55,156,224, C>T on the plus strand (G>A on the coding strand, the complement: TNNI3 is on the minus strand). VCF-style: chr19-55156224-C-T. GRCh37 (hg19) VCF-style: chr19-55667592-C-T.
Other names: short protein forms G87R.
Identifiers: ClinVar variation 3386100 (VCV003386100.2).
Genomic context (GRCh38, chr19:55,156,224, plus strand): 5'-CCGGGACTAGAAACCTCGCATCCTTGGGAGCCGGTACCTGCAGCTCCGCGAAGCCCAGCC[C>T]GGCCAACTCCAGCGGCTGGCAGCGGGTGCTCAGAGCGCGCCCCTTCTCTCCGCGCCGCTC-3'
Protein context (NP_000354.4, residues 77-97): STRCQPLELA[Gly87Arg]LGFAELQDLC

ClinVar aggregate classification (germline): Uncertain significance. Review status: criteria provided, multiple submitters, no conflicts (2 of 4 stars). 2 submissions from 2 submitters: Uncertain significance (2). Last evaluated 2025-08-24.

Conditions:
Hypertrophic cardiomyopathy. Also called: HYPERTROPHIC MYOCARDIOPATHY. Identifiers: Orphanet 217569, MedGen C0007194, MeSH D002312, MONDO:0005045, HP:0001639.

gnomAD v4.1: 3 of 1,612,762 alleles (0.00019%); highest among the groups gnomAD compares: South Asian, 0.0022%; no homozygotes.

Submissions (2):

Labcorp Genetics (formerly Invitae), Labcorp
Classification: Uncertain significance for Hypertrophic cardiomyopathy. Last evaluated: 2025-08-24. Review status: criteria provided, single submitter. Criteria: Invitae Variant Classification Sherloc (09022015). Collection method: clinical testing. Allele origin: germline.
Comment: This sequence change replaces glycine, which is neutral and non-polar, with arginine, which is basic and polar, at codon 87 of the TNNI3 protein (p.Gly87Arg). This variant is present in population databases (no rsID available, gnomAD 0.007%). This variant has not been reported in the literature in individuals affected with TNNI3-related conditions. ClinVar contains an entry for this variant (Variation ID: 3386100). An algorithm developed to predict the effect of missense changes on protein structure and function (PolyPhen-2) suggests that this variant is likely to be disruptive. In summary, the available evidence is currently insufficient to determine the role of this variant in disease. Therefore, it has been classified as a Variant of Uncertain Significance.

All of Us Research Program, National Institutes of Health
Classification: Uncertain significance for Hypertrophic cardiomyopathy. Last evaluated: 2024-03-24. Review status: criteria provided, single submitter. Criteria: ACMG Guidelines, 2015. Collection method: clinical testing. Allele origin: germline. Inheritance: Autosomal dominant inheritance. Observed: 1 variant allele, 1 heterozygote.
Comment: This missense variant replaces glycine with arginine at codon 87 of the TNNI3 protein. Computational prediction tools indicate that this variant has a deleterious impact on protein structure and function. To our knowledge, functional studies have not been reported for this variant. This variant has not been reported in individuals affected with TNNI3-related disorders in the literature. This variant has been identified in 2/242566 chromosomes in the general population by the Genome Aggregation Database (gnomAD). The available evidence is insufficient to determine the role of this variant in disease conclusively. Therefore, this variant is classified as a Variant of Uncertain Significance.

This study involves interpretation of variants in research participants for the purpose of population health screening. Participant phenotype was not available at the time of variant classification. Additional details can be found in publication PMID: 35346344, PMCID: PMC8962531